The following is an entry in ClinVar:

ClinVar aggregate classification (germline): Conflicting classifications of pathogenicity. Review status: criteria provided, conflicting classifications (1 of 4 stars). 3 submissions from 3 submitters: Pathogenic (1); Uncertain significance (2). Last evaluated 2026-04-21.

Conditions:
Familial thoracic aortic aneurysm and aortic dissection (TAAD). Also called: Thoracic aortic aneurysms and dissections. Identifiers: Orphanet 91387, MedGen C4707243, MONDO:0019625.
Familial aortopathy. Identifiers: MedGen CN078214.

Submissions (3):

GeneDx
Classification: Uncertain significance. Last evaluated: 2026-04-21. Review status: criteria provided, single submitter. Criteria: GeneDx Variant Classification Process June 2021. Collection method: clinical testing. Allele origin: germline.
Comment: Not observed at significant frequency in large population cohorts (gnomAD); Frameshift variant predicted to result in protein truncation or nonsense mediated decay. Not located in the smooth muscle isoform, where the majority of loss-of-function variants associated with autosomal dominant TAAD and autosomal recessive MMIHS have been reported to date (PMID: 24077912, 21055718); Has not been previously published as pathogenic or benign to our knowledge; This variant is associated with the following publications: (PMID: 24077912, 21055718)

Ambry Genetics
Classification: Uncertain significance for Familial thoracic aortic aneurysm and aortic dissection. Last evaluated: 2025-06-11. Review status: criteria provided, single submitter. Criteria: Ambry Variant Classification Scheme 2023. Collection method: clinical testing. Allele origin: germline.
Comment: The c.2105delG variant, located in coding exon 12 of the MYLK gene, results from a deletion of one nucleotide at nucleotide position 2105, causing a translational frameshift with a predicted alternate stop codon (p.G702Efs*29). This alteration is expected to result in loss of function due to an abnormal transcript, a translational frameshift leading to premature truncation, or nonsense-mediated mRNA decay. However, this alteration impacts only the long, nonmuscle MYLK isoform. While loss of function alterations that impact both the long and short MYLK isoforms have been reported in many patients with thoracic aortic aneurysms and dissections (TAAD), similar data is lacking for alterations that affect only the long isoform (Wallace SE et al. Genet Med 2019 01;21(1):144-151; Ambry internal data). Since supporting evidence is limited at this time, the clinical significance of this alteration remains unclear.

Women's Health and Genetics/Laboratory Corporation of America, LabCorp
Classification: Pathogenic for Familial aortopathy. Last evaluated: 2024-02-26. Review status: criteria provided, single submitter. Criteria: LabCorp Variant Classification Summary - May 2015. Collection method: clinical testing. Allele origin: germline.
Comment: Variant summary: MYLK c.2105delG (p.Gly702GlufsX29) results in a premature termination codon, predicted to cause a truncation of the encoded protein or absence of the protein due to nonsense mediated decay, which are commonly known mechanisms for disease. The variant was absent in 251308 control chromosomes (gnomAD). To our knowledge, no occurrence of c.2105delG in individuals affected with Aortopathy and no experimental evidence demonstrating its impact on protein function have been reported. No submitters have cited clinical-significance assessments for this variant to ClinVar. Based on the evidence outlined above, the variant was classified as pathogenic.

NM_053025.4(MYLK):c.2105del (p.Gly702fs)

Gene: MYLK (myosin light chain kinase; minus strand). Cytogenetic location: 3q21.1.
Variant type: Deletion.
Coding change: c.2105del on transcript NM_053025.4 (MANE Select); coding-DNA position 2105, one base deleted (G; older notation c.2105delG).
Protein change: p.Gly702fs; shifts the reading frame from glycine 702.
Molecular consequence: frameshift variant.
Genome position (GRCh38, 1-based): chr3:123,708,733, C deleted on the plus strand (G on the coding strand, the reverse complement: MYLK is on the minus strand); the first of 2 consecutive C bases (chr3:123,708,733-123,708,734); deleting either gives the same sequence. VCF-style (leftmost placement, unchanged base first): chr3-123708732-TC-T. GRCh37 (hg19) VCF-style: chr3-123427579-TC-T.
Other names: c.1577del, p.Gly526fs (NM_001321309.2); c.1898del, p.Gly633fs (NM_053026.4, NM_053028.4); c.2105del, p.Gly702fs (NM_053027.4); c.2105delG (NM_053025.4, NM_053025.3); c.2105del (NM_053025.3); short protein forms G526fs, G633fs, G702fs.
Identifiers: ClinVar variation 3068796 (VCV003068796.4), dbSNP rs2474303339, ClinGen allele CA2577895198.
Genomic context (GRCh38, chr3:123,708,732, plus strand): 5'-ACTCGCTCTGAGTGGGTCAGCCTCACCTTGTACCGTGAGCACGGCCTGGGTGCGGACCTC[TC>T]CAGCGCTGTTCCAGGCCTCGCAGGTGTACGTGCCCGTGTCCTCCGGGAACACTTCCTGGA-3'